The following is an entry in ClinVar:

NM_033100.4(CDHR1):c.374T>C (p.Val125Ala)

Gene: CDHR1 (cadherin related family member 1; plus strand). Cytogenetic location: 10q23.1.
Variant type: single nucleotide variant.
Coding change: c.374T>C on transcript NM_033100.4 (MANE Select); coding-DNA position 374, T replaced by C.
Protein change: p.Val125Ala; replaces valine 125 with alanine.
Molecular consequence: missense variant.
Genome position (GRCh38, 1-based): chr10:84,199,057, T>C. VCF-style: chr10-84199057-T-C. GRCh37 (hg19) VCF-style: chr10-85958813-T-C.
Other names: c.374T>C, p.Val125Ala (NM_001171971.3); short protein forms V125A.
Identifiers: ClinVar variation 858487 (VCV000858487.9), dbSNP rs1254218300, ClinGen allele CA377370993.
Genomic context (GRCh38, chr10:84,199,057, plus strand): 5'-TTGCACTGGCTCTTGACCCCTCTGCCCCTTCTCAGGTGGCCGAAAAAGTCGTGATCCTGG[T>C]GACCGATGCCAATGATGAGGCGCCCAGGTTCATCCAGGAGCCTTATGTTGCCCTGGTTCC-3'
Protein context (NP_149091.1, residues 115-135): NLVAEKVVIL[Val125Ala]TDANDEAPRF

ClinVar aggregate classification (germline): Uncertain significance (1 of 4 stars; one submission).

Allele frequency attached by ClinVar (database versions not stated): gnomAD exomes 0.00001; TOPMed 0.00002.
gnomAD v4.1: 11 of 1,551,728 alleles (0.00071%); highest among the groups gnomAD compares: Admixed American, 0.0059%; no homozygotes.

Submission:

Labcorp Genetics (formerly Invitae), Labcorp
Classification: Uncertain significance. Last evaluated: 2025-02-10. Review status: criteria provided, single submitter. Criteria: Invitae Variant Classification Sherloc (09022015). Collection method: clinical testing. Allele origin: germline.
Comment: This sequence change replaces valine, which is neutral and non-polar, with alanine, which is neutral and non-polar, at codon 125 of the CDHR1 protein (p.Val125Ala). This variant is present in population databases (no rsID available, gnomAD 0.008%). This missense change has been observed in individual(s) with CDHR1-related conditions (internal data). ClinVar contains an entry for this variant (Variation ID: 858487). Invitae Evidence Modeling of protein sequence and biophysical properties (such as structural, functional, and spatial information, amino acid conservation, physicochemical variation, residue mobility, and thermodynamic stability) indicates that this missense variant is not expected to disrupt CDHR1 protein function with a negative predictive value of 80%. In summary, the available evidence is currently insufficient to determine the role of this variant in disease. Therefore, it has been classified as a Variant of Uncertain Significance.